The following is an entry in ClinVar:

ClinVar aggregate classification (germline): Uncertain significance (1 of 4 stars; one submission).

gnomAD v4.1: 1 of 1,210,556 alleles (0.000083%); highest among the groups gnomAD compares: African/African-American, 0.0017%; no homozygotes.

Submission:

Labcorp Genetics (formerly Invitae), Labcorp
Classification: Uncertain significance. Last evaluated: 2025-08-14. Review status: criteria provided, single submitter. Criteria: Invitae Variant Classification Sherloc (09022015). Collection method: clinical testing. Allele origin: germline.
Comment: This sequence change replaces proline, which is neutral and non-polar, with leucine, which is neutral and non-polar, at codon 56 of the RNF113A protein (p.Pro56Leu). This variant is present in population databases (no rsID available, gnomAD 0.02%). This variant has not been reported in the literature in individuals affected with RNF113A-related conditions. Invitae Evidence Modeling of protein sequence and biophysical properties (such as structural, functional, and spatial information, amino acid conservation, physicochemical variation, residue mobility, and thermodynamic stability) indicates that this missense variant is not expected to disrupt RNF113A protein function with a negative predictive value of 80%. In summary, the available evidence is currently insufficient to determine the role of this variant in disease. Therefore, it has been classified as a Variant of Uncertain Significance.

NM_006978.3(RNF113A):c.167C>T (p.Pro56Leu)

Genes: RNF113A (ring finger protein 113A; minus strand), LOC130068621 (ATAC-STARR-seq lymphoblastoid active region 29902; plus strand). Cytogenetic location: Xq24.
Variant type: single nucleotide variant.
Coding change: c.167C>T on transcript NM_006978.3 (MANE Select); coding-DNA position 167, C replaced by T.
Protein change: p.Pro56Leu; replaces proline 56 with leucine.
Molecular consequence: missense variant.
Genome position (GRCh38, 1-based): chrX:119,871,447, G>A on the plus strand (C>T on the coding strand, the complement: RNF113A is on the minus strand). VCF-style: chrX-119871447-G-A. GRCh37 (hg19) VCF-style: chrX-119005410-G-A.
Other names: short protein forms P56L.
Identifiers: ClinVar variation 4697845 (VCV004697845.1).
Genomic context (GRCh38, chrX:119,871,447, plus strand): 5'-TGTTTACCACTGTCACGGGTCTTCTGTATCATTGGATTGTGGGTCACCCGCTTCTTTTCC[G>A]GTCGAACCACAGTGCAGCCTTCGTCGCTACTGCTGCCGCTTTCTCCGGGCTCTGGGTCGC-3'
Protein context (NP_008909.1, residues 46-66): SSDEGCTVVR[Pro56Leu]EKKRVTHNPM